The following is an entry in ClinVar:

NM_152328.5(ADSS1):c.528C>A (p.Ala176=)

Gene: ADSS1 (adenylosuccinate synthase 1; plus strand). Cytogenetic location: 14q32.33.
Variant type: single nucleotide variant.
Coding change: c.528C>A on transcript NM_152328.5 (MANE Select); coding-DNA position 528, C replaced by A.
Protein change: p.Ala176=; no amino-acid change (alanine 176 retained).
Molecular consequence: synonymous variant. On other transcripts: 5 prime UTR variant (1).
Genome position (GRCh38, 1-based): chr14:104,740,652, C>A. VCF-style: chr14-104740652-C-A. GRCh37 (hg19) VCF-style: chr14-105206989-C-A.
Other names: c.-88C>A (NM_001320424.1); c.657C>A, p.Ala219= (NM_199165.2).
Identifiers: ClinVar variation 4823703 (VCV004823703.4).

ClinVar aggregate classification (germline): Likely benign (1 of 4 stars; one submission).

Submission:

CeGaT Center for Human Genetics Tuebingen
Classification: Likely benign. Last evaluated: 2026-03-01. Review status: criteria provided, single submitter. Criteria: CeGaT Center For Human Genetics Tuebingen Variant Classification Criteria Version 2. Collection method: clinical testing. Allele origin: germline. Affected: yes. Observed: 1 variant allele.
Comment: ADSS1: PM2:Supporting, BP4, BP7